The following is an entry in ClinVar:

NM_001330078.2(NRXN1):c.2303G>A (p.Arg768His)

Gene: NRXN1 (neurexin 1; minus strand). Cytogenetic location: 2p16.3.
Variant type: single nucleotide variant.
Coding change: c.2303G>A on transcript NM_001330078.2 (MANE Select); coding-DNA position 2303, G replaced by A.
Protein change: p.Arg768His; replaces arginine 768 with histidine.
Molecular consequence: missense variant.
Genome position (GRCh38, 1-based): chr2:50,531,271, C>T on the plus strand (G>A on the coding strand, the complement: NRXN1 is on the minus strand). VCF-style: chr2-50531271-C-T. GRCh37 (hg19) VCF-style: chr2-50758409-C-T.
Other names: c.2423G>A, p.Arg808His (NM_001135659.3); c.2279G>A, p.Arg760His (NM_001330077.2, NM_001330082.2, NM_001330095.2); c.2264G>A, p.Arg755His (NM_001330083.2, NM_001330084.2); c.2303G>A, p.Arg768His (NM_001330085.2, NM_001330086.2, NM_004801.6); c.2219G>A, p.Arg740His (NM_001330087.2, NM_001330096.2); c.2249G>A, p.Arg750His (NM_001330088.2); c.2300G>A, p.Arg767His (NM_001330093.2); c.2291G>A, p.Arg764His (NM_001330094.2); short protein forms R755H, R740H, R750H, R767H, R808H, R760H, R764H, R768H.
Identifiers: ClinVar variation 1033730 (VCV001033730.7), dbSNP rs1163896637, ClinGen allele CA346769486.

ClinVar aggregate classification (germline): Uncertain significance. Review status: criteria provided, multiple submitters, no conflicts (2 of 4 stars). 3 submissions from 3 submitters: Uncertain significance (3). Last evaluated 2022-10-07.

Conditions:
Pitt-Hopkins-like syndrome 2 (PTHSL2). Identifiers: Orphanet 221150, Orphanet 600663, MedGen C3280479, MONDO:0013690, OMIM 614325.

Allele frequency attached by ClinVar (database versions not stated): TOPMed below 0.00001.
gnomAD v4.1: 1 of 1,613,444 alleles (0.000062%); highest among the groups gnomAD compares: Non-Finnish European, 0.000085%; no homozygotes.

Submissions (3):

Labcorp Genetics (formerly Invitae), Labcorp
Classification: Uncertain significance for Pitt-Hopkins-like syndrome 2. Last evaluated: 2022-10-07. Review status: criteria provided, single submitter. Criteria: Invitae Variant Classification Sherloc (09022015). Collection method: clinical testing. Allele origin: germline.
Comment: In summary, the available evidence is currently insufficient to determine the role of this variant in disease. Therefore, it has been classified as a Variant of Uncertain Significance. Algorithms developed to predict the effect of missense changes on protein structure and function are either unavailable or do not agree on the potential impact of this missense change (SIFT: "Deleterious"; PolyPhen-2: "Probably Damaging"; Align-GVGD: "Class C0"). ClinVar contains an entry for this variant (Variation ID: 1033730). This variant has not been reported in the literature in individuals affected with NRXN1-related conditions. This variant is not present in population databases (gnomAD no frequency). This sequence change replaces arginine, which is basic and polar, with histidine, which is basic and polar, at codon 808 of the NRXN1 protein (p.Arg808His).

GeneDx
Classification: Uncertain significance. Last evaluated: 2021-11-01. Review status: criteria provided, single submitter. Criteria: GeneDx Variant Classification Process June 2021. Collection method: clinical testing. Allele origin: germline. Affected: yes.
Comment: Not observed at significant frequency in large population cohorts (Lek et al., 2016); In silico analysis supports that this missense variant has a deleterious effect on protein structure/function; Has not been previously published as pathogenic or benign to our knowledge

Baylor Genetics
Classification: Uncertain significance for Pitt-Hopkins-like syndrome 2. Last evaluated: 2018-02-09. Review status: criteria provided, single submitter. Criteria: ACMG Guidelines, 2015. Collection method: clinical testing. Allele origin: unknown. Affected: yes.
Comment: This variant was determined to be of uncertain significance according to ACMG Guidelines, 2015 [PMID:25741868].